The following is an entry in ClinVar:

ClinVar aggregate classification (germline): Benign. Review status: criteria provided, multiple submitters, no conflicts (2 of 4 stars). 2 submissions from 2 submitters: Benign (2). Last evaluated 2018-06-14.

Allele frequency attached by ClinVar (database versions not stated): 1000 Genomes Project 0.10663; 1000 Genomes Project 30x 0.10712; TOPMed 0.14653; gnomAD 0.14782 and 0.15238.
gnomAD v4.1: 22,399 of 151,954 alleles (15%); highest among the groups gnomAD compares: African/African-American, 17%; 1,794 homozygotes.

Submissions (2):

GeneDx
Classification: Benign. Last evaluated: 2018-06-14. Review status: criteria provided, single submitter. Criteria: GeneDx Variant Classification (06012015). Collection method: clinical testing. Allele origin: germline. Affected: yes.
Comment: This variant is considered likely benign or benign based on one or more of the following criteria: it is a conservative change, it occurs at a poorly conserved position in the protein, it is predicted to be benign by multiple in silico algorithms, and/or has population frequency not consistent with disease.

Breakthrough Genomics
Classification: Benign. Review status: criteria provided, single submitter. Criteria: ACMG Guidelines, 2015. Collection method: not provided. Allele origin: germline. Inheritance: Autosomal recessive inheritance. Affected: yes.

NM_153717.3(EVC):c.2894+248A>T

Gene: EVC (EvC ciliary complex subunit 1; plus strand). Cytogenetic location: 4p16.2.
Variant type: single nucleotide variant.
Coding change: c.2894+248A>T on transcript NM_153717.3 (MANE Select); 248 bases into the intron after coding-DNA position 2894, A replaced by T.
Molecular consequence: intron variant.
Genome position (GRCh38, 1-based): chr4:5,810,698, A>T. VCF-style: chr4-5810698-A-T. GRCh37 (hg19) VCF-style: chr4-5812425-A-T.
Other names: c.2894+248A>T (NM_001306090.2).
Identifiers: ClinVar variation 671277 (VCV000671277.2), dbSNP rs2279249, ClinGen allele CA15337714.